The following is an entry in ClinVar:

NM_000090.4(COL3A1):c.3158G>A (p.Gly1053Asp)

Gene: COL3A1 (collagen type III alpha 1 chain; plus strand). Cytogenetic location: 2q32.2.
Variant type: single nucleotide variant.
Coding change: c.3158G>A on transcript NM_000090.4 (MANE Select); coding-DNA position 3158, G replaced by A.
Protein change: p.Gly1053Asp; replaces glycine 1053 with aspartic acid.
Molecular consequence: missense variant.
Genome position (GRCh38, 1-based): chr2:189,006,409, G>A. VCF-style: chr2-189006409-G-A. GRCh37 (hg19) VCF-style: chr2-189871135-G-A.
Other names: short protein forms G1053D.
Identifiers: ClinVar variation 689752 (VCV000689752.9), dbSNP rs1576471840, ClinGen allele CA349845126.
Genomic context (GRCh38, chr2:189,006,409, plus strand): 5'-ATCGTGGTGAAAATGGCTCTCCTGGTGCCCCTGGCGCTCCTGGTCATCCAGGCCCACCTG[G>A]TCCTGTCGGTCCAGCTGGAAAGAGTGGTGACAGAGGAGAAAGTGTGAGTTCCCAAAAGCA-3'
Protein context (NP_000081.2, residues 1043-1063): PGAPGHPGPP[Gly1053Asp]PVGPAGKSGD

ClinVar aggregate classification (germline): Pathogenic/Likely pathogenic. Review status: criteria provided, multiple submitters, no conflicts (2 of 4 stars). 2 submissions from 2 submitters: Pathogenic (1); Likely pathogenic (1). Last evaluated 2022-03-03.

Conditions:
Ehlers-Danlos syndrome, type 4 (EDSVASC). Also called: Ehlers-Danlos syndrome vascular type; Ehlers Danlos syndrome, ecchymotic type; Ehlers Danlos syndrome, arterial type; Ehlers Danlos syndrome, Sack-Barabas type; Ehlers-Danlos Syndrome Type IV. Identifiers: Orphanet 286, MedGen C0268338, MONDO:0017314, OMIM 130050.

Submissions (2):

Labcorp Genetics (formerly Invitae), Labcorp
Classification: Pathogenic for Ehlers-Danlos syndrome, type 4. Last evaluated: 2022-03-03. Review status: criteria provided, single submitter. Criteria: Invitae Variant Classification Sherloc (09022015). Collection method: clinical testing. Allele origin: germline.
Comment: For these reasons, this variant has been classified as Pathogenic. This variant disrupts the triple helix domain of COL3A1. Glycine residues within the Gly-Xaa-Yaa repeats of the triple helix domain are required for the structure and stability of fibrillar collagens (PMID: 7695699, 8218237, 19344236). In COL3A1, variants that affect these glycine residues are significantly enriched in individuals with disease (PMID: 24922459, 25758994) compared to the general population (ExAC). Advanced modeling of protein sequence and biophysical properties (such as structural, functional, and spatial information, amino acid conservation, physicochemical variation, residue mobility, and thermodynamic stability) performed at Invitae indicates that this missense variant is expected to disrupt COL3A1 protein function. ClinVar contains an entry for this variant (Variation ID: 689752). This missense change has been observed in individual(s) with COL3A1-related conditions (PMID: 25149929). In at least one individual the variant was observed to be de novo. This variant is not present in population databases (gnomAD no frequency). This sequence change replaces glycine, which is neutral and non-polar, with aspartic acid, which is acidic and polar, at codon 1053 of the COL3A1 protein (p.Gly1053Asp).

Baylor Genetics
Classification: Likely pathogenic for Ehlers-Danlos syndrome, type 4. Last evaluated: 2017-12-31. Review status: criteria provided, single submitter. Criteria: ACMG Guidelines, 2015. Collection method: clinical testing. Allele origin: germline. Affected: yes.

Literature cited by the submitters: PubMed 7695699 (cited by Labcorp Genetics (formerly Invitae), Labcorp); PubMed 8218237 (cited by Labcorp Genetics (formerly Invitae), Labcorp); PubMed 19344236 (cited by Labcorp Genetics (formerly Invitae), Labcorp); PubMed 24922459 (cited by Labcorp Genetics (formerly Invitae), Labcorp); PubMed 25758994 (cited by Labcorp Genetics (formerly Invitae), Labcorp); PubMed 25149929 (cited by Labcorp Genetics (formerly Invitae), Labcorp and Baylor Genetics).